The following is an entry in ClinVar:

NM_005121.3(MED13):c.5218C>A (p.Pro1740Thr)

Gene: MED13 (mediator complex subunit 13; minus strand). Cytogenetic location: 17q23.2.
Variant type: single nucleotide variant.
Coding change: c.5218C>A on transcript NM_005121.3 (MANE Select); coding-DNA position 5218, C replaced by A.
Protein change: p.Pro1740Thr; replaces proline 1740 with threonine.
Molecular consequence: missense variant.
Genome position (GRCh38, 1-based): chr17:61,961,626, G>T on the plus strand (C>A on the coding strand, the complement: MED13 is on the minus strand). VCF-style: chr17-61961626-G-T. GRCh37 (hg19) VCF-style: chr17-60038987-G-T.
Other names: short protein forms P1740T.
Identifiers: ClinVar variation 4885991 (VCV004885991.2).

ClinVar aggregate classification (germline): Uncertain significance (1 of 4 stars; one submission).

Submission:

Dasa
Classification: Uncertain significance. Last evaluated: 2025-06-27. Review status: criteria provided, single submitter. Criteria: DASA Assertion Criteria. Collection method: clinical testing. Allele origin: germline.
Comment: NM_005121.3(MED13):c.5218C>A (p.Pro1740Thr) is a missense variant that results in the substitution of proline with threonine. This variant is absent from population databases. Computational prediction algorithms are consistent with a deleterious effect. The currently available literature and clinical evidence are not sufficient to establish a definitive association between this variant and the reported condition. Therefore, this variant is classified as a variant of uncertain significance.